The following is an entry in ClinVar:

ClinVar aggregate classification (germline): Uncertain significance. Review status: criteria provided, multiple submitters, no conflicts (2 of 4 stars). 2 submissions from 2 submitters: Uncertain significance (2). Last evaluated 2025-11-12.

Conditions:
Inborn genetic diseases. Identifiers: MedGen C0950123, MeSH D030342.

Allele frequency attached by ClinVar (database versions not stated): gnomAD exomes 0.00006 and 0.00002; 1000 Genomes Project 0.00060; ExAC 0.00007; 1000 Genomes Project 30x 0.00047; TOPMed 0.00008; gnomAD 0.00011.
gnomAD v4.1: 53 of 1,613,756 alleles (0.0033%); highest among the groups gnomAD compares: African/African-American, 0.032%; no homozygotes.

Submissions (2):

Ambry Genetics
Classification: Uncertain significance for Inborn genetic diseases. Last evaluated: 2025-11-12. Review status: criteria provided, single submitter. Criteria: Ambry Variant Classification Scheme 2023. Collection method: clinical testing. Allele origin: germline.

Labcorp Genetics (formerly Invitae), Labcorp
Classification: Uncertain significance. Last evaluated: 2022-08-16. Review status: criteria provided, single submitter. Criteria: Invitae Variant Classification Sherloc (09022015). Collection method: clinical testing. Allele origin: germline.
Comment: This sequence change replaces glutamic acid, which is acidic and polar, with glutamine, which is neutral and polar, at codon 785 of the AP3B2 protein (p.Glu785Gln). This variant is present in population databases (rs185726700, gnomAD 0.04%). This variant has not been reported in the literature in individuals affected with AP3B2-related conditions. ClinVar contains an entry for this variant (Variation ID: 1399612). Algorithms developed to predict the effect of missense changes on protein structure and function (SIFT, PolyPhen-2, Align-GVGD) all suggest that this variant is likely to be tolerated. In summary, the available evidence is currently insufficient to determine the role of this variant in disease. Therefore, it has been classified as a Variant of Uncertain Significance.

NM_001278512.2(AP3B2):c.2410G>C (p.Glu804Gln)

Genes: AP3B2 (adaptor related protein complex 3 subunit beta 2; minus strand), CPEB1-AS1 (CPEB1 antisense RNA 1; plus strand). Cytogenetic location: 15q25.2.
Variant type: single nucleotide variant.
Coding change: c.2410G>C on transcript NM_001278512.2 (MANE Select); coding-DNA position 2410, G replaced by C.
Protein change: p.Glu804Gln; replaces glutamic acid 804 with glutamine.
Molecular consequence: missense variant.
Genome position (GRCh38, 1-based): chr15:82,663,827, C>G on the plus strand (G>C on the coding strand, the complement: AP3B2 is on the minus strand). VCF-style: chr15-82663827-C-G. GRCh37 (hg19) VCF-style: chr15-83332579-C-G.
Other names: c.2353G>C (NM_004644.3); c.2257G>C, p.Glu753Gln (NM_001278511.2); c.2353G>C, p.Glu785Gln (NM_004644.5); short protein forms E785Q, E753Q, E804Q.
Identifiers: ClinVar variation 1399612 (VCV001399612.5), dbSNP rs185726700, ClinGen allele CA7699926.